The following is an entry in ClinVar:

ClinVar aggregate classification (germline): Uncertain significance (1 of 4 stars; one submission).

gnomAD v4.1: 5 of 1,614,104 alleles (0.00031%); highest among the groups gnomAD compares: Non-Finnish European, 0.00042%; no homozygotes.

Submission:

Labcorp Genetics (formerly Invitae), Labcorp
Classification: Uncertain significance. Last evaluated: 2026-01-07. Review status: criteria provided, single submitter. Criteria: Invitae Variant Classification Sherloc (09022015). Collection method: clinical testing. Allele origin: germline.
Comment: This sequence change replaces lysine, which is basic and polar, with arginine, which is basic and polar, at codon 190 of the LBR protein (p.Lys190Arg). This variant is present in population databases (rs754133766, gnomAD 0.002%). This variant has not been reported in the literature in individuals affected with LBR-related conditions. Invitae Evidence Modeling of protein sequence and biophysical properties (such as structural, functional, and spatial information, amino acid conservation, physicochemical variation, residue mobility, and thermodynamic stability) indicates that this missense variant is not expected to disrupt LBR protein function with a negative predictive value of 80%. In summary, the available evidence is currently insufficient to determine the role of this variant in disease. Therefore, it has been classified as a Variant of Uncertain Significance.

NM_002296.4(LBR):c.569A>G (p.Lys190Arg)

Gene: LBR (lamin B receptor; minus strand). Cytogenetic location: 1q42.12.
Variant type: single nucleotide variant.
Coding change: c.569A>G on transcript NM_002296.4 (MANE Select); coding-DNA position 569, A replaced by G.
Protein change: p.Lys190Arg; replaces lysine 190 with arginine.
Molecular consequence: missense variant.
Genome position (GRCh38, 1-based): chr1:225,419,334, T>C on the plus strand (A>G on the coding strand, the complement: LBR is on the minus strand). VCF-style: chr1-225419334-T-C. GRCh37 (hg19) VCF-style: chr1-225607036-T-C.
Other names: c.569A>G, p.Lys190Arg (NM_194442.3); short protein forms K190R.
Identifiers: ClinVar variation 4764702 (VCV004764702.1).